The following is an entry in ClinVar:

ClinVar aggregate classification (germline): Uncertain significance (1 of 4 stars; one submission).

Submission:

Labcorp Genetics (formerly Invitae), Labcorp
Classification: Uncertain significance. Last evaluated: 2023-07-10. Review status: criteria provided, single submitter. Criteria: Invitae Variant Classification Sherloc (09022015). Collection method: clinical testing. Allele origin: germline.
Comment: This sequence change replaces glycine, which is neutral and non-polar, with cysteine, which is neutral and slightly polar, at codon 159 of the GPX4 protein (p.Gly159Cys). In summary, the available evidence is currently insufficient to determine the role of this variant in disease. Therefore, it has been classified as a Variant of Uncertain Significance. Experimental studies and prediction algorithms are not available or were not evaluated, and the functional significance of this variant is currently unknown. ClinVar contains an entry for this variant (Variation ID: 1968662). This variant has not been reported in the literature in individuals affected with GPX4-related conditions. This variant is present in population databases (rs376092764, gnomAD 0.007%).

NM_002085.5(GPX4):c.364G>T (p.Gly122Cys)

Gene: GPX4 (glutathione peroxidase 4; plus strand). Cytogenetic location: 19p13.3.
Variant type: single nucleotide variant.
Coding change: c.364G>T on transcript NM_002085.5 (MANE Select); coding-DNA position 364, G replaced by T.
Protein change: p.Gly122Cys; replaces glycine 122 with cysteine.
Molecular consequence: missense variant.
Genome position (GRCh38, 1-based): chr19:1,105,697, G>T. VCF-style: chr19-1105697-G-T. GRCh37 (hg19) VCF-style: chr19-1105696-G-T.
Other names: c.364G>T, p.Gly122Cys (NM_001039847.3); c.475G>T, p.Gly159Cys (NM_001039848.4); c.283G>T, p.Gly95Cys (NM_001367832.1); short protein forms G159C, G95C, G122C.
Identifiers: ClinVar variation 1968662 (VCV001968662.5), dbSNP rs376092764, ClinGen allele CA9037332.
Genomic context (GRCh38, chr19:1,105,697, plus strand): 5'-CACACACCTTGGCCGCCACAGGAGCCAGGGAGTAACGAAGAGATCAAAGAGTTCGCCGCG[G>T]GCTACAACGTCAAATTCGATATGTTCAGCAAGATCTGCGTGAACGGGGACGACGCCCACC-3'
Protein context (NP_002076.2, residues 112-132): SNEEIKEFAA[Gly122Cys]YNVKFDMFSK